The following is an entry in ClinVar:

NM_015409.5(EP400):c.2006C>A (p.Ser669Tyr)

Gene: EP400 (E1A binding protein p400; plus strand). Cytogenetic location: 12q24.33.
Variant type: single nucleotide variant.
Coding change: c.2006C>A on transcript NM_015409.5 (MANE Select); coding-DNA position 2006, C replaced by A.
Protein change: p.Ser669Tyr; replaces serine 669 with tyrosine.
Molecular consequence: missense variant.
Genome position (GRCh38, 1-based): chr12:131,986,590, C>A. VCF-style: chr12-131986590-C-A. GRCh37 (hg19) VCF-style: chr12-132471135-C-A.
Other names: short protein forms S669Y.
Identifiers: ClinVar variation 3039738 (VCV003039738.3), dbSNP rs189127671, ClinGen allele CA6884917.

ClinVar aggregate classification (germline): Uncertain significance. Review status: criteria provided, single submitter (1 of 4 stars). 2 submissions from 2 submitters: Uncertain significance (1). 1 of the submissions does not count toward it. Last evaluated 2025-10-29.

Conditions:
EP400-related disorder. Also called: EP400-related condition.

Allele frequency attached by ClinVar (database versions not stated): TOPMed 0.00028; ExAC 0.00064; gnomAD 0.00027; 1000 Genomes Project 30x 0.00078; 1000 Genomes Project 0.00080.
gnomAD v4.1: 559 of 1,614,096 alleles (0.035%); highest among the groups gnomAD compares: East Asian, 1.2%; 6 homozygotes.

Submissions (2):

Ambry Genetics
Classification: Uncertain significance. Last evaluated: 2025-10-29. Review status: criteria provided, single submitter. Criteria: Ambry Variant Classification Scheme 2023. Collection method: clinical testing. Allele origin: germline.

PreventionGenetics, part of Exact Sciences
Classification: Likely benign for EP400-related condition. Last evaluated: 2022-08-04. Review status: no assertion criteria provided. Collection method: clinical testing. Allele origin: germline. Not counted in ClinVar's aggregate classification.
Comment: This variant is classified as likely benign based on ACMG/AMP sequence variant interpretation guidelines (Richards et al. 2015 PMID: 25741868, with internal and published modifications).